The following is an entry in ClinVar:

NM_020975.6(RET):c.760G>T (p.Val254Leu)

Gene: RET (ret proto-oncogene; plus strand). Cytogenetic location: 10q11.21.
Variant type: single nucleotide variant.
Coding change: c.760G>T on transcript NM_020975.6 (MANE Select); coding-DNA position 760, G replaced by T.
Protein change: p.Val254Leu; replaces valine 254 with leucine.
Molecular consequence: missense variant.
Genome position (GRCh38, 1-based): chr10:43,105,086, G>T. VCF-style: chr10-43105086-G-T. GRCh37 (hg19) VCF-style: chr10-43600534-G-T.
Other names: c.760G>T, p.Val254Leu (NM_000323.2, NM_001406743.1, NM_001406744.1 and 8 more transcripts); c.-3G>T (NM_001355216.2); c.631G>T, p.Val211Leu (NM_001406761.1, NM_001406762.1, NM_001406764.1 and 2 more transcripts); c.472G>T, p.Val158Leu (NM_001406766.1, NM_001406767.1, NM_001406770.1); short protein forms V211L, V254L, V158L.
Identifiers: ClinVar variation 1759791 (VCV001759791.10), dbSNP rs554862459, ClinGen allele CA376544910.
Genomic context (GRCh38, chr10:43,105,086, plus strand): 5'-CGGGAGAAGTACGAGCTGGTGGCCGTGTGCACCGTGCACGCCGGCGCGCGCGAGGAGGTG[G>T]TGATGGTGCCCTTCCCGGTGACCGTGTACGACGAGGACGACTCGGCGCCCACCTTCCCCG-3'
Protein context (NP_066124.1, residues 244-264): TVHAGAREEV[Val254Leu]MVPFPVTVYD

ClinVar aggregate classification (germline): Conflicting classifications of pathogenicity. Review status: criteria provided, conflicting classifications (1 of 4 stars). 3 submissions from 3 submitters: Uncertain significance (2); Likely benign (1). Last evaluated 2026-08-10.

Conditions:
Hirschsprung disease, susceptibility to, 1 (HSCR1). Also called: RET-Related Hirschsprung Disease. Identifiers: Orphanet 388, MedGen C3888239, MONDO:0007723, OMIM 142623.
Hereditary cancer-predisposing syndrome. Also called: Hereditary Cancer Syndrome; Hereditary neoplastic syndrome; Neoplastic Syndromes, Hereditary; Tumor predisposition. Identifiers: Orphanet 140162, MedGen C0027672, MeSH D009386, MONDO:0015356.
Multiple endocrine neoplasia, type 2 (MEN2). Identifiers: Orphanet 653, MedGen C4048306, MONDO:0019003. Disease mechanism: gain of function.

Submissions (3):

Ambry Genetics
Classification: Likely benign for Hereditary cancer-predisposing syndrome. Last evaluated: 2026-08-10. Review status: criteria provided, single submitter. Criteria: Ambry Variant Classification Scheme 2023. Collection method: clinical testing. Allele origin: germline.

Labcorp Genetics (formerly Invitae), Labcorp
Classification: Uncertain significance for Multiple endocrine neoplasia, type 2. Last evaluated: 2026-01-19. Review status: criteria provided, single submitter. Criteria: Invitae Variant Classification Sherloc (09022015). Collection method: clinical testing. Allele origin: germline.
Comment: This sequence change replaces valine, which is neutral and non-polar, with leucine, which is neutral and non-polar, at codon 254 of the RET protein (p.Val254Leu). This variant is not present in population databases (gnomAD no frequency). This variant has not been reported in the literature in individuals affected with RET-related conditions. ClinVar contains an entry for this variant (Variation ID: 1759791). An algorithm developed to predict the effect of missense changes on protein structure and function (PolyPhen-2) suggests that this variant is likely to be tolerated. In summary, the available evidence is currently insufficient to determine the role of this variant in disease. Therefore, it has been classified as a Variant of Uncertain Significance.

Baylor Genetics
Classification: Uncertain significance for Hirschsprung disease, susceptibility to, 1. Last evaluated: 2024-01-25. Review status: criteria provided, single submitter. Criteria: ACMG Guidelines, 2015. Collection method: clinical testing. Allele origin: unknown.